The following is an entry in ClinVar:

NM_004304.5(ALK):c.3489T>A (p.Asp1163Glu)

Gene: ALK (ALK receptor tyrosine kinase; minus strand). Cytogenetic location: 2p23.2.
Variant type: single nucleotide variant.
Coding change: c.3489T>A on transcript NM_004304.5 (MANE Select); coding-DNA position 3489, T replaced by A.
Protein change: p.Asp1163Glu; replaces aspartic acid 1163 with glutamic acid.
Molecular consequence: missense variant.
Genome position (GRCh38, 1-based): chr2:29,222,370, A>T on the plus strand (T>A on the coding strand, the complement: ALK is on the minus strand). VCF-style: chr2-29222370-A-T. GRCh37 (hg19) VCF-style: chr2-29445236-A-T.
Other names: c.285T>A, p.Asp95Glu (NM_001353765.2); short protein forms D95E, D1163E.
Identifiers: ClinVar variation 4834157 (VCV004834157.1).

ClinVar aggregate classification (germline): Uncertain significance (1 of 4 stars; one submission).

Conditions:
Hereditary cancer-predisposing syndrome. Also called: Neoplastic Syndromes, Hereditary; Tumor predisposition; Hereditary Cancer Syndrome; Hereditary neoplastic syndrome. Identifiers: Orphanet 140162, MedGen C0027672, MeSH D009386, MONDO:0015356.

Submission:

Ambry Genetics
Classification: Uncertain significance for Hereditary cancer-predisposing syndrome. Last evaluated: 2026-03-14. Review status: criteria provided, single submitter. Criteria: Ambry Variant Classification Scheme 2023. Collection method: clinical testing. Allele origin: germline.
Comment: The p.D1163E variant (also known as c.3489T>A), located in coding exon 22 of the ALK gene, results from a T to A substitution at nucleotide position 3489. The aspartic acid at codon 1163 is replaced by glutamic acid, an amino acid with highly similar properties. This amino acid position is conserved. In addition, the in silico prediction for this alteration is inconclusive. Based on the available evidence, the clinical significance of this variant remains unclear.